The following is an entry in ClinVar:

NM_139076.3(ABRAXAS1):c.298T>G (p.Tyr100Asp)

Gene: ABRAXAS1 (abraxas 1, BRCA1 A complex subunit; minus strand). Cytogenetic location: 4q21.23.
Variant type: single nucleotide variant.
Coding change: c.298T>G on transcript NM_139076.3 (MANE Select); coding-DNA position 298, T replaced by G.
Protein change: p.Tyr100Asp; replaces tyrosine 100 with aspartic acid.
Molecular consequence: missense variant. On other transcripts: 5 prime UTR variant (1).
Genome position (GRCh38, 1-based): chr4:83,470,381, A>C on the plus strand (T>G on the coding strand, the complement: ABRAXAS1 is on the minus strand). VCF-style: chr4-83470381-A-C. GRCh37 (hg19) VCF-style: chr4-84391534-A-C.
Other names: c.-30T>G (NM_001345962.2); short protein forms Y100D.
Identifiers: ClinVar variation 3332921 (VCV003332921.1).

ClinVar aggregate classification (germline): Uncertain significance (1 of 4 stars; one submission).

Submission:

Ambry Genetics
Classification: Uncertain significance. Last evaluated: 2024-03-21. Review status: criteria provided, single submitter. Criteria: Ambry Variant Classification Scheme 2023. Collection method: clinical testing. Allele origin: germline.
Comment: The p.Y100D variant (also known as c.298T>G), located in coding exon 5 of the FAM175A gene, results from a T to G substitution at nucleotide position 298. The tyrosine at codon 100 is replaced by aspartic acid, an amino acid with highly dissimilar properties. This amino acid position is conserved. In addition, this alteration is predicted to be deleterious by in silico analysis. Based on the available evidence, the clinical significance of this alteration remains unclear.